The following is an entry in ClinVar:

NM_000535.7(PMS2):c.1419G>T (p.Glu473Asp)

Gene: PMS2 (PMS1 homolog 2, mismatch repair system component; minus strand). Cytogenetic location: 7p22.1.
Variant type: single nucleotide variant.
Coding change: c.1419G>T on transcript NM_000535.7 (MANE Select); coding-DNA position 1419, G replaced by T.
Protein change: p.Glu473Asp; replaces glutamic acid 473 with aspartic acid.
Molecular consequence: missense variant. On other transcripts: non-coding transcript variant (1), intron variant (1).
Genome position (GRCh38, 1-based): chr7:5,987,346, C>A on the plus strand (G>T on the coding strand, the complement: PMS2 is on the minus strand). VCF-style: chr7-5987346-C-A. GRCh37 (hg19) VCF-style: chr7-6026977-C-A.
Other names: c.954G>T, p.Glu318Asp (NM_001406900.1); c.945G>T, p.Glu315Asp (NM_001406901.1, NM_001406902.1); c.1101G>T, p.Glu367Asp (NM_001406903.1, NM_001322007.2, NM_001322008.2 and 2 more transcripts); c.906G>T, p.Glu302Asp (NM_001406904.1, NM_001406905.1); c.858G>T, p.Glu286Asp (NM_001406906.1, NM_001406907.1, NM_001322010.2); c.1014G>T, p.Glu338Asp (NM_001406908.1, NM_001406910.1, NM_001018040.1 and 17 more transcripts); c.846G>T, p.Glu282Asp (NM_001406909.1, NM_001322013.2); c.648G>T, p.Glu216Asp (NM_001406911.1); and 13 more; short protein forms E286D, E351D, E370D, E417D, E473D, E481D, E315D, E367D.
Identifiers: ClinVar variation 2586327 (VCV002586327.2), dbSNP rs2128731146, ClinGen allele CA366742048.

ClinVar aggregate classification (germline): Uncertain significance (1 of 4 stars; one submission).

Conditions:
Hereditary cancer-predisposing syndrome. Also called: Hereditary neoplastic syndrome; Tumor predisposition; Hereditary Cancer Syndrome; Neoplastic Syndromes, Hereditary. Identifiers: Orphanet 140162, MedGen C0027672, MeSH D009386, MONDO:0015356.

Submission:

Ambry Genetics
Classification: Uncertain significance for Hereditary cancer-predisposing syndrome. Last evaluated: 2023-06-30. Review status: criteria provided, single submitter. Criteria: Ambry Variant Classification Scheme 2023. Collection method: clinical testing. Allele origin: germline.
Comment: The p.E473D variant (also known as c.1419G>T), located in coding exon 11 of the PMS2 gene, results from a G to T substitution at nucleotide position 1419. The glutamic acid at codon 473 is replaced by aspartic acid, an amino acid with highly similar properties. This amino acid position is not well conserved in available vertebrate species. In addition, this alteration is predicted to be tolerated by in silico analysis. Since supporting evidence is limited at this time, the clinical significance of this alteration remains unclear.